The following is an entry in ClinVar:

NM_031935.3(HMCN1):c.7406T>C (p.Ile2469Thr)

Gene: HMCN1 (hemicentin 1; plus strand). Cytogenetic location: 1q31.1.
Variant type: single nucleotide variant.
Coding change: c.7406T>C on transcript NM_031935.3 (MANE Select); coding-DNA position 7406, T replaced by C.
Protein change: p.Ile2469Thr; replaces isoleucine 2469 with threonine.
Molecular consequence: missense variant.
Genome position (GRCh38, 1-based): chr1:186,061,944, T>C. VCF-style: chr1-186061944-T-C. GRCh37 (hg19) VCF-style: chr1-186031076-T-C.
Other names: short protein forms I2469T.
Identifiers: ClinVar variation 2047691 (VCV002047691.4), dbSNP rs768271840, ClinGen allele CA1292821.

ClinVar aggregate classification (germline): Uncertain significance (1 of 4 stars; one submission).

Allele frequency attached by ClinVar (database versions not stated): gnomAD exomes below 0.00001; TOPMed 0.00001; ExAC 0.00002.
gnomAD v4.1: 4 of 1,609,310 alleles (0.00025%); highest among the groups gnomAD compares: Admixed American, 0.005%; no homozygotes.

Submission:

Labcorp Genetics (formerly Invitae), Labcorp
Classification: Uncertain significance. Last evaluated: 2022-10-05. Review status: criteria provided, single submitter. Criteria: Invitae Variant Classification Sherloc (09022015). Collection method: clinical testing. Allele origin: germline.
Comment: In summary, the available evidence is currently insufficient to determine the role of this variant in disease. Therefore, it has been classified as a Variant of Uncertain Significance. Algorithms developed to predict the effect of missense changes on protein structure and function output the following: SIFT: "Tolerated"; PolyPhen-2: "Benign"; Align-GVGD: "Class C0". The threonine amino acid residue is found in multiple mammalian species, which suggests that this missense change does not adversely affect protein function. This variant has not been reported in the literature in individuals affected with HMCN1-related conditions. This variant is present in population databases (rs768271840, gnomAD 0.01%). This sequence change replaces isoleucine, which is neutral and non-polar, with threonine, which is neutral and polar, at codon 2469 of the HMCN1 protein (p.Ile2469Thr).